The following is an entry in ClinVar:

NM_001377265.1(MAPT):c.1367A>G (p.Lys456Arg)

Gene: MAPT (microtubule associated protein tau). Cytogenetic location: 17q21.31.
Variant type: single nucleotide variant.
Coding change: c.1367A>G on transcript NM_001377265.1 (MANE Select); coding-DNA position 1367, A replaced by G.
Protein change: p.Lys456Arg; replaces lysine 456 with arginine.
Molecular consequence: missense variant. On other transcripts: non-coding transcript variant (1).
Genome position (GRCh38, 1-based): chr17:45,987,055, A>G. VCF-style: chr17-45987055-A-G. GRCh37 (hg19) VCF-style: chr17-44064421-A-G.
Other names: c.1142A>G, p.Lys381Arg (NM_001123066.4, NM_016835.5); c.302A>G, p.Lys101Arg (NM_001123067.4, NM_001203251.2, NM_001377267.1); c.389A>G, p.Lys130Arg (NM_001203252.2, NM_005910.6); c.1367A>G, p.Lys456Arg (NM_001377266.1); c.215A>G, p.Lys72Arg (NM_001377268.1, NM_016834.5, NM_016841.5); short protein forms K456R, K130R, K381R, K101R, K72R.
Identifiers: ClinVar variation 3728791 (VCV003728791.2).
Genomic context (GRCh38, chr17:45,987,055, plus strand): 5'-GTGAAAATGGAGTGTGACAAGCATTCTTATTTTATATTTTATCAGCTCGCATGGTCAGTA[A>G]AAGCAAAGACGGGACTGGAAGCGATGACAAAAAAGCCAAGGTAAGCTGACGATGCCACGG-3'
Protein context (NP_001364194.1, residues 446-466): VPQLKARMVS[Lys456Arg]SKDGTGSDDK

ClinVar aggregate classification (germline): Uncertain significance (1 of 4 stars; one submission).

Conditions:
Frontotemporal dementia (FTD1). Also called: Dementia, frontotemporal, with or without parkinsonism; Frontotemporal lobe dementia (FLDEM); FRONTOTEMPORAL LOBAR DEGENERATION WITH TAU INCLUSIONS; FTLD WITH TAU INCLUSIONS; FRONTOTEMPORAL DEMENTIA WITH PARKINSONISM; FRONTOTEMPORAL LOBE DEMENTIA. Identifiers: Orphanet 282, MedGen C0338451, MONDO:0017276, OMIM 600274, HP:0002145.

Submission:

Labcorp Genetics (formerly Invitae), Labcorp
Classification: Uncertain significance for Frontotemporal dementia. Last evaluated: 2025-01-11. Review status: criteria provided, single submitter. Criteria: Invitae Variant Classification Sherloc (09022015). Collection method: clinical testing. Allele origin: germline.
Comment: This sequence change replaces lysine, which is basic and polar, with arginine, which is basic and polar, at codon 130 of the MAPT protein (p.Lys130Arg). This variant is not present in population databases (gnomAD no frequency). This variant has not been reported in the literature in individuals affected with MAPT-related conditions. An algorithm developed to predict the effect of missense changes on protein structure and function (PolyPhen-2) suggests that this variant is likely to be disruptive. In summary, the available evidence is currently insufficient to determine the role of this variant in disease. Therefore, it has been classified as a Variant of Uncertain Significance.